The following is an entry in ClinVar:

ClinVar aggregate classification (germline): Uncertain significance (1 of 4 stars; one submission).

Conditions:
Developmental and epileptic encephalopathy, 53. Also called: Epileptic encephalopathy, early infantile, 53. Identifiers: MedGen C4479313, MONDO:0033362, OMIM 617389.
Early-onset Parkinson disease 20. Also called: PARKINSON DISEASE 20, AUTOSOMAL RECESSIVE EARLY-ONSET. Identifiers: Orphanet 391411, MedGen C3809824, MONDO:0014233, OMIM 615530.

Allele frequency attached by ClinVar (database versions not stated): gnomAD exomes 0.00001.
gnomAD v4.1: 14 of 1,613,666 alleles (0.00087%); highest among the groups gnomAD compares: Non-Finnish European, 0.0012%; no homozygotes.

Submission:

Labcorp Genetics (formerly Invitae), Labcorp
Classification: Uncertain significance for Developmental and epileptic encephalopathy, 53; Early-onset Parkinson disease 20. Last evaluated: 2022-04-16. Review status: criteria provided, single submitter. Criteria: Invitae Variant Classification Sherloc (09022015). Collection method: clinical testing. Allele origin: germline.
Comment: Algorithms developed to predict the effect of missense changes on protein structure and function are either unavailable or do not agree on the potential impact of this missense change (SIFT: "Tolerated"; PolyPhen-2: "Probably Damaging"; Align-GVGD: "Class C0"). In summary, the available evidence is currently insufficient to determine the role of this variant in disease. Therefore, it has been classified as a Variant of Uncertain Significance. This variant has not been reported in the literature in individuals affected with SYNJ1-related conditions. This sequence change replaces isoleucine, which is neutral and non-polar, with valine, which is neutral and non-polar, at codon 515 of the SYNJ1 protein (p.Ile515Val). This variant is not present in population databases (gnomAD no frequency).

NM_203446.3(SYNJ1):c.1426A>G (p.Ile476Val)

Gene: SYNJ1 (synaptojanin 1; minus strand). Cytogenetic location: 21q22.11.
Variant type: single nucleotide variant.
Coding change: c.1426A>G on transcript NM_203446.3 (MANE Select); coding-DNA position 1426, A replaced by G.
Protein change: p.Ile476Val; replaces isoleucine 476 with valine.
Molecular consequence: missense variant.
Genome position (GRCh38, 1-based): chr21:32,678,729, T>C on the plus strand (A>G on the coding strand, the complement: SYNJ1 is on the minus strand). VCF-style: chr21-32678729-T-C. GRCh37 (hg19) VCF-style: chr21-34051039-T-C.
Other names: c.1426A>G, p.Ile476Val (NM_001160302.2); c.1435A>G, p.Ile479Val (NM_001160306.2); c.1543A>G, p.Ile515Val (NM_003895.4); short protein forms I479V, I515V, I476V.
Identifiers: ClinVar variation 1941035 (VCV001941035.5), dbSNP rs2516694619, ClinGen allele CA410089454.